The following is an entry in ClinVar:

ClinVar aggregate classification (germline): Likely benign (0 of 4 stars; one submission).

Conditions:
TP53BP2-related disorder. Also called: TP53BP2-related condition.

Allele frequency attached by ClinVar (database versions not stated): 1000 Genomes Project 30x 0.00094.

Submission:

PreventionGenetics, part of Exact Sciences
Classification: Likely benign for TP53BP2-related condition. Last evaluated: 2019-04-10. Review status: no assertion criteria provided. Collection method: clinical testing. Allele origin: germline.
Comment: This variant is classified as likely benign based on ACMG/AMP sequence variant interpretation guidelines (Richards et al. 2015 PMID: 25741868, with internal and published modifications).

NM_001031685.3(TP53BP2):c.2643A>C (p.Pro881=)

Gene: TP53BP2 (tumor protein p53 binding protein 2; minus strand). Cytogenetic location: 1q41.
Variant type: single nucleotide variant.
Coding change: c.2643A>C on transcript NM_001031685.3 (MANE Select); coding-DNA position 2643, A replaced by C.
Protein change: p.Pro881=; no amino-acid change (proline 881 retained).
Molecular consequence: synonymous variant.
Genome position (GRCh38, 1-based): chr1:223,795,896, T>G on the plus strand (A>C on the coding strand, the complement: TP53BP2 is on the minus strand). VCF-style: chr1-223795896-T-G. GRCh37 (hg19) VCF-style: chr1-223983598-T-G.
Other names: c.2256A>C, p.Pro752= (NM_005426.3).
Identifiers: ClinVar variation 3045574 (VCV003045574.2), dbSNP rs1571844481, ClinGen allele CA423726290.
Genomic context (GRCh38, chr1:223,795,896, plus strand): 5'-GGTGATTTCAGGCGGGCGCATGCTCACCGAGTCTTCTCCGGGCCCTTCAGGCTCCCCAGA[T>G]GGGTATGGTGGGGGTGGGTATGGAGGGTACTCCTCCAGGTACACATCAAGCACATGTGGA-3'
Protein context (NP_001026855.2, residues 871-891): EYPPYPPPPY[Pro881=]SGEPEGPGED